The following is an entry in ClinVar:

NM_014974.3(DIP2C):c.296C>T (p.Ala99Val)

Gene: DIP2C (DIP2 acetate--CoA ligase C (putative); minus strand). Cytogenetic location: 10p15.3.
Variant type: single nucleotide variant.
Coding change: c.296C>T on transcript NM_014974.3 (MANE Select); coding-DNA position 296, C replaced by T.
Protein change: p.Ala99Val; replaces alanine 99 with valine.
Molecular consequence: missense variant.
Genome position (GRCh38, 1-based): chr10:440,969, G>A on the plus strand (C>T on the coding strand, the complement: DIP2C is on the minus strand). VCF-style: chr10-440969-G-A. GRCh37 (hg19) VCF-style: chr10-486909-G-A.
Other names: short protein forms A99V.
Identifiers: ClinVar variation 3898921 (VCV003898921.2).

ClinVar aggregate classification (germline): Uncertain significance (1 of 4 stars; one submission).

Submission:

GeneDx
Classification: Uncertain significance. Last evaluated: 2025-11-04. Review status: criteria provided, single submitter. Criteria: GeneDx Variant Classification Process June 2021. Collection method: clinical testing. Allele origin: germline.
Comment: In silico analysis supports that this missense variant has a deleterious effect on protein structure/function; Has not been previously published as pathogenic or benign to our knowledge